The following is an entry in ClinVar:

ClinVar aggregate classification (germline): Uncertain significance. Review status: criteria provided, multiple submitters, no conflicts (2 of 4 stars). 3 submissions from 3 submitters: Uncertain significance (3). Last evaluated 2024-02-09.

Conditions:
Mitochondrial DNA depletion syndrome 13. Also called: FBXL4-Related Encephalomyopathic Mitochondrial DNA Depletion Syndrome; Mitochondrial DNA depletion syndrome 13 (encephalomyopathic type). Identifiers: Orphanet 369897, MedGen C3809592, MONDO:0014198, OMIM 615471.

Allele frequency attached by ClinVar (database versions not stated): gnomAD 0.00001; ExAC 0.00002; TOPMed 0.00002.
gnomAD v4.1: 130 of 1,613,774 alleles (0.0081%); highest among the groups gnomAD compares: Middle Eastern, 0.049%; no homozygotes.

Submissions (3):

GeneDx
Classification: Uncertain significance. Last evaluated: 2024-02-09. Review status: criteria provided, single submitter. Criteria: GeneDx Variant Classification Process June 2021. Collection method: clinical testing. Allele origin: germline. Affected: yes.
Comment: Not observed at significant frequency in large population cohorts (gnomAD); In silico analysis supports that this missense variant does not alter protein structure/function; Has not been previously published as pathogenic or benign to our knowledge

Labcorp Genetics (formerly Invitae), Labcorp
Classification: Uncertain significance. Last evaluated: 2022-10-28. Review status: criteria provided, single submitter. Criteria: Invitae Variant Classification Sherloc (09022015). Collection method: clinical testing. Allele origin: germline.
Comment: In summary, the available evidence is currently insufficient to determine the role of this variant in disease. Therefore, it has been classified as a Variant of Uncertain Significance. Advanced modeling of protein sequence and biophysical properties (such as structural, functional, and spatial information, amino acid conservation, physicochemical variation, residue mobility, and thermodynamic stability) performed at Invitae indicates that this missense variant is not expected to disrupt FBXL4 protein function. ClinVar contains an entry for this variant (Variation ID: 437726). This variant has not been reported in the literature in individuals affected with FBXL4-related conditions. This variant is present in population databases (rs760332582, gnomAD 0.006%). This sequence change replaces valine, which is neutral and non-polar, with isoleucine, which is neutral and non-polar, at codon 432 of the FBXL4 protein (p.Val432Ile).

Wong Mito Lab, Molecular and Human Genetics, Baylor College of Medicine
Classification: Uncertain significance for Mitochondrial DNA depletion syndrome 13. Last evaluated: 2017-08-10. Review status: criteria provided, single submitter. Criteria: ACMG Guidelines, 2015. Collection method: reference population. Allele origin: germline.
Comment: The NM_012160.4:c.1294G>A (NP_036292.2:p.Val432Ile) [GRCH38: NC_000006.12:g.98899291C>T] variant in FBXL4 gene is interpretated to be a Uncertain Significance - Conflicting Evidence based on ACMG guidelines (PMID: 25741868). This variant meets one or more of the following evidence codes reported in the ACMG-guideline. PM2:This variant is absent in key population databases. BP4:Computational evidence/predictors indicate no impact on the FBXL4 structure, function, or protein-protein interaction. Based on this evidence code ClinGen Pathogenicity Calculator (PMID:28081714) suggested that the variant is Uncertain Significance - Conflicting Evidence.

NM_001278716.2(FBXL4):c.1294G>A (p.Val432Ile)

Gene: FBXL4 (F-box and leucine rich repeat protein 4; minus strand). Cytogenetic location: 6q16.1.
Variant type: single nucleotide variant.
Coding change: c.1294G>A on transcript NM_001278716.2 (MANE Select); coding-DNA position 1294, G replaced by A.
Protein change: p.Val432Ile; replaces valine 432 with isoleucine.
Molecular consequence: missense variant. On other transcripts: non-coding transcript variant (2).
Genome position (GRCh38, 1-based): chr6:98,899,291, C>T on the plus strand (G>A on the coding strand, the complement: FBXL4 is on the minus strand). VCF-style: chr6-98899291-C-T. GRCh37 (hg19) VCF-style: chr6-99347167-C-T.
Other names: c.1294G>A, p.Val432Ile (NM_012160.5); short protein forms V432I.
Identifiers: ClinVar variation 437726 (VCV000437726.9), dbSNP rs760332582, ClinGen allele CA3933490.